The following is an entry in ClinVar:

NM_004187.5(KDM5C):c.938G>A (p.Arg313Gln)

Gene: KDM5C (lysine demethylase 5C; minus strand). Cytogenetic location: Xp11.22.
Variant type: single nucleotide variant.
Coding change: c.938G>A on transcript NM_004187.5 (MANE Select); coding-DNA position 938, G replaced by A.
Protein change: p.Arg313Gln; replaces arginine 313 with glutamine.
Molecular consequence: missense variant. On other transcripts: non-coding transcript variant (3).
Genome position (GRCh38, 1-based): chrX:53,215,820, C>T on the plus strand (G>A on the coding strand, the complement: KDM5C is on the minus strand). VCF-style: chrX-53215820-C-T. GRCh37 (hg19) VCF-style: chrX-53245002-C-T.
Other names: c.737G>A, p.Arg246Gln (NM_001146702.2); c.935G>A, p.Arg312Gln (NM_001282622.3, NM_001353979.2, NM_001353982.2); c.938G>A, p.Arg313Gln (NM_001353978.3, NM_001353981.2, NM_001353984.2); short protein forms R246Q, R312Q, R313Q.
Identifiers: ClinVar variation 3900340 (VCV003900340.1).

ClinVar aggregate classification (germline): Uncertain significance (1 of 4 stars; one submission).

Submission:

GeneDx
Classification: Uncertain significance. Last evaluated: 2024-11-24. Review status: criteria provided, single submitter. Criteria: GeneDx Variant Classification Process June 2021. Collection method: clinical testing. Allele origin: germline. Affected: yes.
Comment: Not observed at significant frequency in large population cohorts (gnomAD); In silico analysis indicates that this missense variant does not alter protein structure/function; This variant is associated with the following publications: (PMID: 34906515)